The following is an entry in ClinVar:

ClinVar aggregate classification (germline): Uncertain significance (1 of 4 stars; one submission).

gnomAD v4.1: 3 of 1,614,142 alleles (0.00019%); highest among the groups gnomAD compares: Non-Finnish European, 0.00025%; no homozygotes.

Submission:

GeneDx
Classification: Uncertain significance. Last evaluated: 2026-03-14. Review status: criteria provided, single submitter. Criteria: GeneDx Variant Classification Process June 2021. Collection method: clinical testing. Allele origin: germline.
Comment: Not observed at significant frequency in large population cohorts (gnomAD); In silico analysis suggests that this missense variant does not alter protein structure/function; Has not been previously published as pathogenic or benign to our knowledge

NM_014991.6(WDFY3):c.9401C>T (p.Thr3134Ile)

Gene: WDFY3 (WD repeat and FYVE domain containing 3; minus strand). Cytogenetic location: 4q21.23.
Variant type: single nucleotide variant.
Coding change: c.9401C>T on transcript NM_014991.6 (MANE Select); coding-DNA position 9401, C replaced by T.
Protein change: p.Thr3134Ile; replaces threonine 3134 with isoleucine.
Molecular consequence: missense variant.
Genome position (GRCh38, 1-based): chr4:84,688,228, G>A on the plus strand (C>T on the coding strand, the complement: WDFY3 is on the minus strand). VCF-style: chr4-84688228-G-A. GRCh37 (hg19) VCF-style: chr4-85609381-G-A.
Other names: short protein forms T3134I.
Identifiers: ClinVar variation 5009142 (VCV005009142.1).
Genomic context (GRCh38, chr4:84,688,228, plus strand): 5'-CAAATGATACAGGTTCGATCACGGGACCCACTGACAATTATGTGATAGGCTAATGATGCT[G>A]TGGCGCAGGTGACGGTATCAGTGTGGCCCAGTAAGGCCTACGAATGAGAACAAACAAACA-3'
Protein context (NP_055806.2, residues 3124-3144): LGHTDTVTCA[Thr3134Ile]ASLAYHIIVS